The following is an entry in ClinVar:

NM_001329943.3(KIAA0586):c.4585C>T (p.Gln1529Ter)

Gene: KIAA0586 (KIAA0586; plus strand). Cytogenetic location: 14q23.1.
Variant type: single nucleotide variant.
Coding change: c.4585C>T on transcript NM_001329943.3 (MANE Select); coding-DNA position 4585, C replaced by T.
Protein change: p.Gln1529Ter; replaces glutamine 1529 with a stop codon.
Molecular consequence: nonsense. On other transcripts: missense variant (2).
Genome position (GRCh38, 1-based): chr14:58,547,870, C>T. VCF-style: chr14-58547870-C-T. GRCh37 (hg19) VCF-style: chr14-59014588-C-T.
Other names: c.4829C>T, p.Ser1610Leu (NM_001244189.2); c.4540C>T, p.Gln1514Ter (NM_001244190.2); c.4330C>T, p.Gln1444Ter (NM_001244191.2, NM_001364701.2); c.4453C>T, p.Gln1485Ter (NM_001244192.2, NM_001329947.2); c.4670C>T, p.Ser1557Leu (NM_001329944.2); c.4264C>T, p.Gln1422Ter (NM_001329945.2); c.4519C>T, p.Gln1507Ter (NM_001329946.2); c.4357C>T, p.Gln1453Ter (NM_014749.5); short protein forms Q1444*, Q1485*, Q1422*, Q1453*, S1610L, Q1514*, Q1529*, S1557L.
Identifiers: ClinVar variation 2081887 (VCV002081887.3), dbSNP rs770812773, ClinGen allele CA390059461.

ClinVar aggregate classification (germline): Uncertain significance (1 of 4 stars; one submission).

Conditions:
Short-rib thoracic dysplasia 14 with polydactyly (SRTD14). Identifiers: Orphanet 397715, MedGen C4225286, MONDO:0014688, OMIM 616546.
Joubert syndrome 23 (JBTS23). Identifiers: Orphanet 475, MedGen C4084822, MONDO:0014664, OMIM 616490.

gnomAD v4.1: 2 of 1,613,790 alleles (0.00012%); highest among the groups gnomAD compares: Admixed American, 0.0017%; no homozygotes.

Submission:

Labcorp Genetics (formerly Invitae), Labcorp
Classification: Uncertain significance for Joubert syndrome 23; Short-rib thoracic dysplasia 14 with polydactyly. Last evaluated: 2022-05-06. Review status: criteria provided, single submitter. Criteria: Invitae Variant Classification Sherloc (09022015). Collection method: clinical testing. Allele origin: germline.
Comment: In summary, the available evidence is currently insufficient to determine the role of this variant in disease. Therefore, it has been classified as a Variant of Uncertain Significance. Algorithms developed to predict the effect of missense changes on protein structure and function are either unavailable or do not agree on the potential impact of this missense change (SIFT: "Deleterious"; PolyPhen-2: "Possibly Damaging"; Align-GVGD: "Class C0"). This variant has not been reported in the literature in individuals affected with KIAA0586-related conditions. This variant is present in population databases (no rsID available, gnomAD 0.003%). This sequence change replaces serine, which is neutral and polar, with leucine, which is neutral and non-polar, at codon 1610 of the KIAA0586 protein (p.Ser1610Leu).